The following is an entry in ClinVar:

NM_001036.6(RYR3):c.9290T>G (p.Val3097Gly)

Gene: RYR3 (ryanodine receptor 3; plus strand). Cytogenetic location: 15q14.
Variant type: single nucleotide variant.
Coding change: c.9290T>G on transcript NM_001036.6 (MANE Select); coding-DNA position 9290, T replaced by G.
Protein change: p.Val3097Gly; replaces valine 3097 with glycine.
Molecular consequence: missense variant.
Genome position (GRCh38, 1-based): chr15:33,785,683, T>G. VCF-style: chr15-33785683-T-G. GRCh37 (hg19) VCF-style: chr15-34077884-T-G.
Other names: c.9290T>G, p.Val3097Gly (NM_001243996.4); short protein forms V3097G.
Identifiers: ClinVar variation 521701 (VCV000521701.5), dbSNP rs1555456665, ClinGen allele CA391590177.

ClinVar aggregate classification (germline): Uncertain significance (1 of 4 stars; one submission).

Conditions:
Inborn genetic diseases. Identifiers: MedGen C0950123, MeSH D030342.

Submission:

Ambry Genetics
Classification: Uncertain significance for Inborn genetic diseases. Last evaluated: 2017-07-05. Review status: criteria provided, single submitter. Criteria: Ambry exome assertion method (8-5-2015). Collection method: clinical testing. Allele origin: germline. Affected: yes. Observed: 1 variant allele.